The following is an entry in ClinVar:

NM_000542.5(SFTPB):c.940G>A (p.Glu314Lys)

Gene: SFTPB (surfactant protein B; minus strand). Cytogenetic location: 2p11.2.
Variant type: single nucleotide variant.
Coding change: c.940G>A on transcript NM_000542.5 (MANE Select); coding-DNA position 940, G replaced by A.
Protein change: p.Glu314Lys; replaces glutamic acid 314 with lysine.
Molecular consequence: missense variant.
Genome position (GRCh38, 1-based): chr2:85,663,408, C>T on the plus strand (G>A on the coding strand, the complement: SFTPB is on the minus strand). VCF-style: chr2-85663408-C-T. GRCh37 (hg19) VCF-style: chr2-85890531-C-T.
Other names: c.940G>A, p.Glu314Lys (NM_001367281.2, NM_198843.4); short protein forms E314K.
Identifiers: ClinVar variation 3160962 (VCV003160962.3), dbSNP rs899331882, ClinGen allele CA51751177.

ClinVar aggregate classification (germline): Uncertain significance. Review status: criteria provided, multiple submitters, no conflicts (2 of 4 stars). 2 submissions from 2 submitters: Uncertain significance (2). Last evaluated 2024-04-18.

Conditions:
Hereditary pulmonary alveolar proteinosis. Also called: Pulmonary surfactant metabolism dysfunction. Identifiers: Orphanet 264675, MedGen C3711368, MONDO:0012580.

Allele frequency attached by ClinVar (database versions not stated): gnomAD exomes 0.00001.
gnomAD v4.1: 20 of 1,613,846 alleles (0.0012%); highest among the groups gnomAD compares: South Asian, 0.0055%; no homozygotes.

Submissions (2):

Labcorp Genetics (formerly Invitae), Labcorp
Classification: Uncertain significance. Last evaluated: 2024-04-18. Review status: criteria provided, single submitter. Criteria: Invitae Variant Classification Sherloc (09022015). Collection method: clinical testing. Allele origin: germline.
Comment: This sequence change replaces glutamic acid, which is acidic and polar, with lysine, which is basic and polar, at codon 326 of the SFTPB protein (p.Glu326Lys). This variant is present in population databases (no rsID available, gnomAD 0.01%). This variant has not been reported in the literature in individuals affected with SFTPB-related conditions. Advanced modeling of protein sequence and biophysical properties (such as structural, functional, and spatial information, amino acid conservation, physicochemical variation, residue mobility, and thermodynamic stability) performed at Invitae indicates that this missense variant is not expected to disrupt SFTPB protein function with a negative predictive value of 80%. In summary, the available evidence is currently insufficient to determine the role of this variant in disease. Therefore, it has been classified as a Variant of Uncertain Significance.

Ambry Genetics
Classification: Uncertain significance for Hereditary pulmonary alveolar proteinosis. Last evaluated: 2023-12-12. Review status: criteria provided, single submitter. Criteria: Ambry Variant Classification Scheme 2023. Collection method: clinical testing. Allele origin: germline.